The following is an entry in ClinVar:

ClinVar aggregate classification (germline): Pathogenic/Likely pathogenic. Review status: criteria provided, multiple submitters, no conflicts (2 of 4 stars). 4 submissions from 4 submitters: Pathogenic (2); Likely pathogenic (1). 1 of the submissions does not count toward it. Last evaluated 2024-10-28.

Conditions:
Marfan syndrome (MFS). Also called: Marfan syndrome type 1; Marfan syndrome, classic; Marfan's syndrome; FBN1-Related Marfan Syndrome; MARFAN SYNDROME, TYPE I. Identifiers: Orphanet 284963, Orphanet 558, MedGen C0024796, MONDO:0007947, OMIM 154700.
Familial thoracic aortic aneurysm and aortic dissection (TAAD). Also called: Thoracic aortic aneurysms and dissections. Identifiers: Orphanet 91387, MedGen C4707243, MONDO:0019625.

Submissions (4):

Labcorp Genetics (formerly Invitae), Labcorp
Classification: Pathogenic for Marfan syndrome; Familial thoracic aortic aneurysm and aortic dissection. Last evaluated: 2024-10-28. Review status: criteria provided, single submitter. Criteria: Invitae Variant Classification Sherloc (09022015). Collection method: clinical testing. Allele origin: germline.
Comment: This sequence change replaces cysteine, which is neutral and slightly polar, with arginine, which is basic and polar, at codon 1984 of the FBN1 protein (p.Cys1984Arg). This variant is not present in population databases (gnomAD no frequency). This missense change has been observed in individual(s) with Marfan syndrome (PMID: 21542060). ClinVar contains an entry for this variant (Variation ID: 549320). Invitae Evidence Modeling of protein sequence and biophysical properties (such as structural, functional, and spatial information, amino acid conservation, physicochemical variation, residue mobility, and thermodynamic stability) indicates that this missense variant is expected to disrupt FBN1 protein function with a positive predictive value of 95%. This variant affects a cysteine residue in the EGF-like, TGFBP or hybrid motif domains of FBN1. Cysteine residues are believed to be involved in intramolecular disulfide bridges and have been shown to be important for FBN1 protein structure (PMID: 16905551, 19349279). In addition, missense substitutions affecting cysteine residues within these domains are significantly overrepresented among patients with Marfan syndrome (PMID: 16571647, 17701892). This variant disrupts the p.Cys1984 amino acid residue in FBN1. Other variant(s) that disrupt this residue have been observed in individuals with FBN1-related conditions (PMID: 26787436, 27906200), which suggests that this may be a clinically significant amino acid residue. For these reasons, this variant has been classified as Pathogenic.

GeneDx
Classification: Likely pathogenic. Last evaluated: 2024-04-24. Review status: criteria provided, single submitter. Criteria: GeneDx Variant Classification Process June 2021. Collection method: clinical testing. Allele origin: germline. Affected: yes.
Comment: Affects a cysteine residue within a calcium-binding EGF-like domain of the FBN1 gene, which may affect disulfide bonding and is predicted to alter the structure and function of the protein; cysteine substitutions in the calcium-binding EGF-like domains represent the majority of pathogenic missense changes associated with FBN1-related disorders (PMID: 12938084); Not observed at significant frequency in large population cohorts (gnomAD); In silico analysis supports that this missense variant has a deleterious effect on protein structure/function; This variant is associated with the following publications: (PMID: 12938084, 37116669, 34456093, 21542060, 35058154, 27906200)

Centre of Medical Genetics, University of Antwerp
Classification: Pathogenic for Marfan syndrome. Last evaluated: 2021-03-01. Review status: criteria provided, single submitter. Criteria: Submitter's publication. Collection method: research. Allele origin: unknown. Affected: yes.
Comment: PM2, PVS2, PP4

Center for Medical Genetics Ghent, University of Ghent
Classification: Likely pathogenic for Marfan syndrome. Last evaluated: 2017-11-07. Review status: no assertion criteria provided. Collection method: clinical testing. Allele origin: germline. Affected: yes. Not counted in ClinVar's aggregate classification.

Literature cited by the submitters: PubMed 21542060 (cited by Labcorp Genetics (formerly Invitae), Labcorp); PubMed 16905551 (cited by Labcorp Genetics (formerly Invitae), Labcorp); PubMed 19349279 (cited by Labcorp Genetics (formerly Invitae), Labcorp); PubMed 16571647 (cited by Labcorp Genetics (formerly Invitae), Labcorp); PubMed 17701892 (cited by Labcorp Genetics (formerly Invitae), Labcorp); PubMed 26787436 (cited by Labcorp Genetics (formerly Invitae), Labcorp); PubMed 27906200 (cited by Labcorp Genetics (formerly Invitae), Labcorp).

NM_000138.5(FBN1):c.5950T>C (p.Cys1984Arg)

Gene: FBN1 (fibrillin 1; minus strand). Cytogenetic location: 15q21.1.
Variant type: single nucleotide variant.
Coding change: c.5950T>C on transcript NM_000138.5 (MANE Select); coding-DNA position 5950, T replaced by C.
Protein change: p.Cys1984Arg; replaces cysteine 1984 with arginine.
Molecular consequence: missense variant.
Genome position (GRCh38, 1-based): chr15:48,444,628, A>G on the plus strand (T>C on the coding strand, the complement: FBN1 is on the minus strand). VCF-style: chr15-48444628-A-G. GRCh37 (hg19) VCF-style: chr15-48736825-A-G.
Other names: short protein forms C1984R.
Identifiers: ClinVar variation 549320 (VCV000549320.24), dbSNP rs1555395659, ClinGen allele CA392339834.